The following is an entry in ClinVar:

ClinVar aggregate classification (germline): Conflicting classifications of pathogenicity. Review status: criteria provided, conflicting classifications (1 of 4 stars). 3 submissions from 3 submitters: Likely pathogenic (1); Uncertain significance (2). Last evaluated 2022-05-01.

Conditions:
X-linked Emery-Dreifuss muscular dystrophy. Also called: Muscular dystrophy, tardive Emery-Dreifuss type, with contractures. Identifiers: Orphanet 261, Orphanet 98863, MedGen C0751337, MONDO:0010680.

Submissions (3):

CeGaT Center for Human Genetics Tuebingen
Classification: Likely pathogenic. Last evaluated: 2022-05-01. Review status: criteria provided, single submitter. Criteria: CeGaT Center For Human Genetics Tuebingen Variant Classification Criteria Version 2. Collection method: clinical testing. Allele origin: germline. Affected: yes. Observed: 1 variant allele.
Comment: EMD: PM1, PM2, PM5, PP4, PS3:Supporting, PS4:Supporting

Labcorp Genetics (formerly Invitae), Labcorp
Classification: Uncertain significance for X-linked Emery-Dreifuss muscular dystrophy. Last evaluated: 2021-12-24. Review status: criteria provided, single submitter. Criteria: Invitae Variant Classification Sherloc (09022015). Collection method: clinical testing. Allele origin: germline.
Comment: In summary, the available evidence is currently insufficient to determine the role of this variant in disease. Therefore, it has been classified as a Variant of Uncertain Significance. This variant disrupts the p.Pro183 amino acid residue in EMD. Other variant(s) that disrupt this residue have been determined to be pathogenic (PMID: 10393813, 17067998, 26415001, 26675233). This suggests that this residue is clinically significant, and that variants that disrupt this residue are likely to be disease-causing. Algorithms developed to predict the effect of missense changes on protein structure and function are either unavailable or do not agree on the potential impact of this missense change (SIFT: "Deleterious"; PolyPhen-2: "Probably Damaging"; Align-GVGD: "Class C0"). ClinVar contains an entry for this variant (Variation ID: 285707). This variant has not been reported in the literature in individuals affected with EMD-related conditions. This variant is not present in population databases (gnomAD no frequency). This sequence change replaces proline, which is neutral and non-polar, with leucine, which is neutral and non-polar, at codon 183 of the EMD protein (p.Pro183Leu).

Eurofins Ntd Llc (ga)
Classification: Uncertain significance. Last evaluated: 2016-02-02. Review status: criteria provided, single submitter. Criteria: EGL Classification Definitions 2015. Collection method: clinical testing. Allele origin: germline. Observed: 1 variant allele, 1 hemizygote.

Literature cited by the submitters: PubMed 10393813 (cited by Labcorp Genetics (formerly Invitae), Labcorp); PubMed 17067998 (cited by Labcorp Genetics (formerly Invitae), Labcorp); PubMed 26415001 (cited by Labcorp Genetics (formerly Invitae), Labcorp); PubMed 26675233 (cited by Labcorp Genetics (formerly Invitae), Labcorp).

NM_000117.3(EMD):c.548C>T (p.Pro183Leu)

Gene: EMD (emerin; plus strand). Cytogenetic location: Xq28.
Variant type: single nucleotide variant.
Coding change: c.548C>T on transcript NM_000117.3 (MANE Select); coding-DNA position 548, C replaced by T.
Protein change: p.Pro183Leu; replaces proline 183 with leucine.
Molecular consequence: missense variant.
Genome position (GRCh38, 1-based): chrX:154,380,980, C>T. VCF-style: chrX-154380980-C-T. GRCh37 (hg19) VCF-style: chrX-153609340-C-T.
Other names: short protein forms P183L.
Identifiers: ClinVar variation 285707 (VCV000285707.40), dbSNP rs104894805, ClinGen allele CA10605214.